The following is an entry in ClinVar:

ClinVar aggregate classification (germline): Uncertain significance (1 of 4 stars; one submission).

Conditions:
Exertional Heat Illness.

gnomAD v4.1: 11 of 1,612,902 alleles (0.00068%); highest among the groups gnomAD compares: Non-Finnish European, 0.00025%; no homozygotes.

Submission:

Uniformed Services University, Consortium for Health and Military Performance
Classification: Uncertain significance for Exertional Heat Illness. Last evaluated: 2024-08-08. Review status: criteria provided, single submitter. Criteria: ACMG Guidelines, 2015. Collection method: research. Allele origin: germline. Affected: yes.
Comment: This pathogenicity assessment is relevant only for Exertional Heat Illness. This sequence change replaces arginine with cysteine at codon 113 of the NDUFS7 protein: p.Arg113Cys. This variant is present in population databases (rs760431596, gnomAD 0.0095%). This missense variant has not been reported in individual(s) with NDUFS7 associated mitochondrial disorder. Computational evidence (CADD score: 30; REVEL score: 0.85) supports disruptive effect of this variant on the protein function. This variant has been classified as a Variant of Uncertain Significance. ACMG/AMP criteria implemented: PM2 and PP3.

NM_024407.5(NDUFS7):c.331C>T (p.Arg111Cys)

Gene: NDUFS7 (NADH:ubiquinone oxidoreductase core subunit S7; plus strand). Cytogenetic location: 19p13.3.
Variant type: single nucleotide variant.
Coding change: c.331C>T on transcript NM_024407.5 (MANE Select); coding-DNA position 331, C replaced by T.
Protein change: p.Arg111Cys; replaces arginine 111 with cysteine.
Molecular consequence: missense variant.
Genome position (GRCh38, 1-based): chr19:1,390,973, C>T. VCF-style: chr19-1390973-C-T. GRCh37 (hg19) VCF-style: chr19-1390972-C-T.
Other names: c.331C>T, p.Arg111Cys (NM_001363602.2); short protein forms R111C.
Identifiers: ClinVar variation 3340066 (VCV003340066.1).
Genomic context (GRCh38, chr19:1,390,973, plus strand): 5'-GTGGAGATGATGCACATGGCAGCACCCCGCTACGACATGGACCGCTTTGGCGTGGTCTTC[C>T]GCGCCAGCCCGCGCCAGTCCGACGTCATGATCGTGGCCGGCACACTCACCAACAAGATGG-3'
Protein context (NP_077718.3, residues 101-121): YDMDRFGVVF[Arg111Cys]ASPRQSDVMI